The following is an entry in ClinVar:

ClinVar aggregate classification (germline): Uncertain significance (1 of 4 stars; one submission).

Submission:

Labcorp Genetics (formerly Invitae), Labcorp
Classification: Uncertain significance. Last evaluated: 2022-07-18. Review status: criteria provided, single submitter. Criteria: Invitae Variant Classification Sherloc (09022015). Collection method: clinical testing. Allele origin: germline.
Comment: In summary, the available evidence is currently insufficient to determine the role of this variant in disease. Therefore, it has been classified as a Variant of Uncertain Significance. Advanced modeling of protein sequence and biophysical properties (such as structural, functional, and spatial information, amino acid conservation, physicochemical variation, residue mobility, and thermodynamic stability) performed at Invitae indicates that this missense variant is expected to disrupt COL27A1 protein function. This variant has not been reported in the literature in individuals affected with COL27A1-related conditions. This variant is not present in population databases (gnomAD no frequency). This sequence change replaces glycine, which is neutral and non-polar, with alanine, which is neutral and non-polar, at codon 1517 of the COL27A1 protein (p.Gly1517Ala).

NM_032888.4(COL27A1):c.4550G>C (p.Gly1517Ala)

Gene: COL27A1 (collagen type XXVII alpha 1 chain; plus strand). Cytogenetic location: 9q32.
Variant type: single nucleotide variant.
Coding change: c.4550G>C on transcript NM_032888.4 (MANE Select); coding-DNA position 4550, G replaced by C.
Protein change: p.Gly1517Ala; replaces glycine 1517 with alanine.
Molecular consequence: missense variant.
Genome position (GRCh38, 1-based): chr9:114,292,176, G>C. VCF-style: chr9-114292176-G-C. GRCh37 (hg19) VCF-style: chr9-117054456-G-C.
Other names: short protein forms G1517A.
Identifiers: ClinVar variation 2133927 (VCV002133927.4), dbSNP rs2490299759, ClinGen allele CA374590366.